The following is an entry in ClinVar:

NM_005881.4(BCKDK):c.31C>T (p.Pro11Ser)

Gene: BCKDK (branched chain keto acid dehydrogenase kinase; plus strand). Cytogenetic location: 16p11.2.
Variant type: single nucleotide variant.
Coding change: c.31C>T on transcript NM_005881.4 (MANE Select); coding-DNA position 31, C replaced by T.
Protein change: p.Pro11Ser; replaces proline 11 with serine.
Molecular consequence: missense variant.
Genome position (GRCh38, 1-based): chr16:31,109,254, C>T. VCF-style: chr16-31109254-C-T. GRCh37 (hg19) VCF-style: chr16-31120575-C-T.
Other names: c.31C>T, p.Pro11Ser (NM_001122957.4, NM_001271926.3); short protein forms P11S.
Identifiers: ClinVar variation 1517605 (VCV001517605.6), dbSNP rs764651763, ClinGen allele CA8021426.
Genomic context (GRCh38, chr16:31,109,254, plus strand): 5'-GCGGCCACCGGGTCTGAAAGGAGCAAGACGATGATCCTGGCGTCGGTGCTGAGGAGCGGT[C>T]CCGGGGGCGGGCTTCCGCTCCGGCCCCTCCTGGGACCCGCACTCGCGCTCCGGGCCCGCT-3'
Protein context (NP_005872.2, residues 1-21): MILASVLRSG[Pro11Ser]GGGLPLRPLL

ClinVar aggregate classification (germline): Uncertain significance (1 of 4 stars; one submission).

Conditions:
Branched-chain keto acid dehydrogenase kinase deficiency (BCKDKD). Also called: BCKDK DEFICIENCY. Identifiers: Orphanet 308410, MedGen C3554078, MONDO:0013970, OMIM 614923.

gnomAD v4.1: 9 of 1,546,242 alleles (0.00058%); highest among the groups gnomAD compares: East Asian, 0.014%; no homozygotes.

Submission:

Labcorp Genetics (formerly Invitae), Labcorp
Classification: Uncertain significance for Branched-chain keto acid dehydrogenase kinase deficiency. Last evaluated: 2021-10-24. Review status: criteria provided, single submitter. Criteria: Invitae Variant Classification Sherloc (09022015). Collection method: clinical testing. Allele origin: germline.
Comment: This sequence change replaces proline, which is neutral and non-polar, with serine, which is neutral and polar, at codon 11 of the BCKDK protein (p.Pro11Ser). This variant is present in population databases (rs764651763, gnomAD 0.03%). This variant has not been reported in the literature in individuals affected with BCKDK-related conditions. Algorithms developed to predict the effect of missense changes on protein structure and function output the following: SIFT: "Tolerated"; PolyPhen-2: "Not Available"; Align-GVGD: "Class C0". The serine amino acid residue is found in multiple mammalian species, which suggests that this missense change does not adversely affect protein function. In summary, the available evidence is currently insufficient to determine the role of this variant in disease. Therefore, it has been classified as a Variant of Uncertain Significance.